The following is an entry in ClinVar:

NM_017679.5(BCAS3):c.1638-10A>G

Genes: BCAS3 (BCAS3 microtubule associated cell migration factor; plus strand), BCAS3-AS1 (BCAS3 antisense RNA 1; minus strand). Cytogenetic location: 17q23.2.
Variant type: single nucleotide variant.
Coding change: c.1638-10A>G on transcript NM_017679.5 (MANE Select); 10 bases into the intron before coding-DNA position 1638, A replaced by G.
Molecular consequence: intron variant. On other transcripts: non-coding transcript variant (3).
Genome position (GRCh38, 1-based): chr17:61,034,656, A>G. VCF-style: chr17-61034656-A-G. GRCh37 (hg19) VCF-style: chr17-59112017-A-G.
Other names: c.1773-10A>G (NM_001353144.2); c.1728-10A>G (NM_001353145.2); c.1683-10A>G (NM_001330413.2, NM_001353146.2, NM_001099432.3); c.1638-10A>G (NM_001320470.3, NM_001330414.2).
Identifiers: ClinVar variation 4820747 (VCV004820747.5).

ClinVar aggregate classification (germline): Likely benign. Review status: criteria provided, multiple submitters, no conflicts (2 of 4 stars). 2 submissions from 2 submitters: Likely benign (2). Last evaluated 2026-01-01.

gnomAD v4.1: 7,719 of 1,592,862 alleles (0.48%); highest among the groups gnomAD compares: Non-Finnish European, 0.57%; 28 homozygotes.

Submissions (2):

CeGaT Center for Human Genetics Tuebingen
Classification: Likely benign. Last evaluated: 2026-01-01. Review status: criteria provided, single submitter. Criteria: CeGaT Center For Human Genetics Tuebingen Variant Classification Criteria Version 2. Collection method: clinical testing. Allele origin: germline. Affected: yes. Observed: 2 variant alleles.
Comment: BCAS3-AS1: BS2

Blueprint Genetics
Classification: Likely benign. Last evaluated: 2024-11-25. Review status: criteria provided, single submitter. Criteria: ACMG Guidelines, 2015. Collection method: clinical testing. Allele origin: germline.